The following is an entry in ClinVar:

NM_004304.5(ALK):c.2914+5C>T

Gene: ALK (ALK receptor tyrosine kinase; minus strand). Cytogenetic location: 2p23.2.
Variant type: single nucleotide variant.
Coding change: c.2914+5C>T on transcript NM_004304.5 (MANE Select); 5 bases into the intron after coding-DNA position 2914, C replaced by T.
Molecular consequence: intron variant.
Genome position (GRCh38, 1-based): chr2:29,227,569, G>A on the plus strand (C>T on the coding strand, the complement: ALK is on the minus strand). VCF-style: chr2-29227569-G-A. GRCh37 (hg19) VCF-style: chr2-29450435-G-A.
Identifiers: ClinVar variation 935386 (VCV000935386.8), dbSNP rs750459441, ClinGen allele CA1594149.

ClinVar aggregate classification (germline): Uncertain significance. Review status: criteria provided, multiple submitters, no conflicts (2 of 4 stars). 2 submissions from 2 submitters: Uncertain significance (2). Last evaluated 2025-05-28.

Conditions:
Hereditary cancer-predisposing syndrome. Also called: Tumor predisposition; Hereditary neoplastic syndrome; Neoplastic Syndromes, Hereditary; Hereditary Cancer Syndrome. Identifiers: Orphanet 140162, MedGen C0027672, MeSH D009386, MONDO:0015356.
Neuroblastoma, susceptibility to, 3. Also called: ALK-Related Neuroblastic Tumor Susceptibility. Identifiers: Orphanet 635, MedGen C2751681, MONDO:0013083, OMIM 613014.

Allele frequency attached by ClinVar (database versions not stated): gnomAD exomes below 0.00001; ExAC 0.00001; gnomAD 0.00001.
gnomAD v4.1: 6 of 1,611,616 alleles (0.00037%); highest among the groups gnomAD compares: Admixed American, 0.0033%; no homozygotes.

Submissions (2):

Labcorp Genetics (formerly Invitae), Labcorp
Classification: Uncertain significance for Neuroblastoma, susceptibility to, 3. Last evaluated: 2025-05-28. Review status: criteria provided, single submitter. Criteria: Invitae Variant Classification Sherloc (09022015). Collection method: clinical testing. Allele origin: germline.
Comment: This sequence change falls in intron 17 of the ALK gene. It does not directly change the encoded amino acid sequence of the ALK protein. It affects a nucleotide within the consensus splice site. This variant is not present in population databases (gnomAD no frequency). This variant has not been reported in the literature in individuals affected with ALK-related conditions. ClinVar contains an entry for this variant (Variation ID: 935386). Variants that disrupt the consensus splice site are a relatively common cause of aberrant splicing (PMID: 17576681, 9536098). Algorithms developed to predict the effect of sequence changes on RNA splicing suggest that this variant is not likely to affect RNA splicing. In summary, the available evidence is currently insufficient to determine the role of this variant in disease. Therefore, it has been classified as a Variant of Uncertain Significance.

Ambry Genetics
Classification: Uncertain significance for Hereditary cancer-predisposing syndrome. Last evaluated: 2025-03-05. Review status: criteria provided, single submitter. Criteria: Ambry Variant Classification Scheme 2023. Collection method: clinical testing. Allele origin: germline.
Comment: The c.2914+5C>T intronic variant results from a C to T substitution 5 nucleotides after coding exon 17 in the ALK gene. This nucleotide position is well conserved in available vertebrate species. In silico splice site analysis predicts that this alteration will not have any significant effect on splicing. Based on the available evidence, the clinical significance of this variant remains unclear.

Literature cited by the submitters: PubMed 17576681 (cited by Labcorp Genetics (formerly Invitae), Labcorp); PubMed 9536098 (cited by Labcorp Genetics (formerly Invitae), Labcorp).